The following is an entry in ClinVar:

NM_001378183.1(PIEZO2):c.7320C>A (p.Tyr2440Ter)

Gene: PIEZO2 (piezo type mechanosensitive ion channel component 2; minus strand). Cytogenetic location: 18p11.22.
Variant type: single nucleotide variant.
Coding change: c.7320C>A on transcript NM_001378183.1 (MANE Select); coding-DNA position 7320, C replaced by A.
Protein change: p.Tyr2440Ter; replaces tyrosine 2440 with a stop codon.
Molecular consequence: nonsense.
Genome position (GRCh38, 1-based): chr18:10,691,254, G>T on the plus strand (C>A on the coding strand, the complement: PIEZO2 is on the minus strand). VCF-style: chr18-10691254-G-T. GRCh37 (hg19) VCF-style: chr18-10691252-G-T.
Other names: c.7056C>A, p.Tyr2352Ter (NM_001410871.1); c.6981C>A, p.Tyr2327Ter (NM_022068.4); short protein forms Y2327*, Y2352*, Y2440*.
Identifiers: ClinVar variation 4538014 (VCV004538014.1).

ClinVar aggregate classification (germline): Likely pathogenic (1 of 4 stars; one submission).

gnomAD v4.1: 1 of 1,613,964 alleles (0.000062%); highest among the groups gnomAD compares: Non-Finnish European, 0.000085%; no homozygotes.

Submission:

GeneDx
Classification: Likely pathogenic. Last evaluated: 2025-06-06. Review status: criteria provided, single submitter. Criteria: GeneDx Variant Classification Process June 2021. Collection method: clinical testing. Allele origin: germline. Affected: yes.
Comment: Nonsense variant predicted to result in protein truncation or nonsense mediated decay in a gene for which loss of function is a known mechanism of disease; Not observed at significant frequency in large population cohorts (gnomAD); Has not been previously published as pathogenic or benign to our knowledge